The following is an entry in ClinVar:

ClinVar aggregate classification (germline): Likely benign. Review status: criteria provided, multiple submitters, no conflicts (2 of 4 stars). 3 submissions from 3 submitters: Likely benign (3). Last evaluated 2024-03-24.

Conditions:
Familial thoracic aortic aneurysm and aortic dissection (TAAD). Also called: Thoracic aortic aneurysms and dissections. Identifiers: Orphanet 91387, MedGen C4707243, MONDO:0019625.
Aortic aneurysm, familial thoracic 6 (AAT6). Also called: FAMILIAL THORACIC AORTIC ANEURYSM WITH LIVEDO RETICULARIS AND IRIS FLOCCULI. Identifiers: MedGen C2673186, MONDO:0012730, OMIM 611788.

Submissions (3):

All of Us Research Program, National Institutes of Health
Classification: Likely benign for Familial thoracic aortic aneurysm and aortic dissection. Last evaluated: 2024-03-24. Review status: criteria provided, single submitter. Criteria: ACMG Guidelines, 2015. Collection method: clinical testing. Allele origin: germline. Inheritance: Autosomal dominant inheritance. Observed: 1 variant allele, 1 heterozygote.
Comment: This study involves interpretation of variants in research participants for the purpose of population health screening. Participant phenotype was not available at the time of variant classification. Additional details can be found in publication PMID: 35346344, PMCID: PMC8962531

Color Diagnostics, LLC DBA Color Health
Classification: Likely benign for Familial thoracic aortic aneurysm and aortic dissection. Last evaluated: 2024-02-20. Review status: criteria provided, single submitter. Criteria: ACMG Guidelines, 2015. Collection method: clinical testing. Allele origin: germline.

Labcorp Genetics (formerly Invitae), Labcorp
Classification: Likely benign for Aortic aneurysm, familial thoracic 6. Last evaluated: 2024-01-07. Review status: criteria provided, single submitter. Criteria: Invitae Variant Classification Sherloc (09022015). Collection method: clinical testing. Allele origin: germline.

NM_001613.4(ACTA2):c.405T>C (p.Tyr135=)

Gene: ACTA2 (actin alpha 2, smooth muscle; minus strand). Cytogenetic location: 10q23.31.
Variant type: single nucleotide variant.
Coding change: c.405T>C on transcript NM_001613.4 (MANE Select); coding-DNA position 405, T replaced by C.
Protein change: p.Tyr135=; no amino-acid change (tyrosine 135 retained).
Molecular consequence: synonymous variant.
Genome position (GRCh38, 1-based): chr10:88,941,834, A>G on the plus strand (T>C on the coding strand, the complement: ACTA2 is on the minus strand). VCF-style: chr10-88941834-A-G. GRCh37 (hg19) VCF-style: chr10-90701591-A-G.
Other names: c.405T>C, p.Tyr135= (NM_001141945.3, NM_001320855.2, NM_001406462.1 and 3 more transcripts); c.294T>C, p.Tyr98= (NM_001406466.1); c.276T>C, p.Tyr92= (NM_001406467.1, NM_001406468.1, NM_001406469.1).
Identifiers: ClinVar variation 3015057 (VCV003015057.5), dbSNP rs1476056716, ClinGen allele CA470734972.